The following is an entry in ClinVar:

ClinVar aggregate classification (germline): Uncertain significance (1 of 4 stars; one submission).

Conditions:
Landau-Kleffner syndrome (FESD). Also called: EPILEPSY, FOCAL, WITH SPEECH DISORDER AND WITH OR WITHOUT MENTAL RETARDATION; APHASIA, ACQUIRED, WITH EPILEPSY. Identifiers: Orphanet 1945, Orphanet 725, Orphanet 98818, MedGen C0282512, MONDO:0009509, OMIM 245570.

Allele frequency attached by ClinVar (database versions not stated): gnomAD exomes 0.00001.
gnomAD v4.1: 15 of 1,613,974 alleles (0.00093%); highest among the groups gnomAD compares: Non-Finnish European, 0.0013%; no homozygotes.

Submission:

Labcorp Genetics (formerly Invitae), Labcorp
Classification: Uncertain significance for Landau-Kleffner syndrome. Last evaluated: 2022-09-16. Review status: criteria provided, single submitter. Criteria: Invitae Variant Classification Sherloc (09022015). Collection method: clinical testing. Allele origin: germline.
Comment: In summary, the available evidence is currently insufficient to determine the role of this variant in disease. Therefore, it has been classified as a Variant of Uncertain Significance. Advanced modeling of protein sequence and biophysical properties (such as structural, functional, and spatial information, amino acid conservation, physicochemical variation, residue mobility, and thermodynamic stability) performed at Invitae indicates that this missense variant is not expected to disrupt GRIN2A protein function. This variant has not been reported in the literature in individuals affected with GRIN2A-related conditions. This variant is not present in population databases (gnomAD no frequency). This sequence change replaces arginine, which is basic and polar, with lysine, which is basic and polar, at codon 1088 of the GRIN2A protein (p.Arg1088Lys).

NM_001134407.3(GRIN2A):c.3263G>A (p.Arg1088Lys)

Gene: GRIN2A (glutamate ionotropic receptor NMDA type subunit 2A; minus strand). Cytogenetic location: 16p13.2.
Variant type: single nucleotide variant.
Coding change: c.3263G>A on transcript NM_001134407.3 (MANE Select); coding-DNA position 3263, G replaced by A.
Protein change: p.Arg1088Lys; replaces arginine 1088 with lysine.
Molecular consequence: missense variant.
Genome position (GRCh38, 1-based): chr16:9,764,281, C>T on the plus strand (G>A on the coding strand, the complement: GRIN2A is on the minus strand). VCF-style: chr16-9764281-C-T. GRCh37 (hg19) VCF-style: chr16-9858138-C-T.
Other names: c.3263G>A, p.Arg1088Lys (NM_000833.5, NM_001134408.2); short protein forms R1088K.
Identifiers: ClinVar variation 1719626 (VCV001719626.6), dbSNP rs2505967931, ClinGen allele CA394708249.
Genomic context (GRCh38, chr16:9,764,281, plus strand): 5'-GTTTTCAGGTAGGTGCGCTCGACCTCACTACAGTCCTTGGGGTATTTGGAGGCCACTGAC[C>T]TTTTAAAGTTGTCCTTGGTTTTGTGGTTCTTACTGTTGTCAGGTTCCCTGTGGCACGTGG-3'
Protein context (NP_001127879.1, residues 1078-1098): KNHKTKDNFK[Arg1088Lys]SVASKYPKDC